The following is an entry in ClinVar:

ClinVar aggregate classification (germline): Uncertain significance (1 of 4 stars; one submission).

Submission:

GeneDx
Classification: Uncertain significance. Last evaluated: 2019-10-23. Review status: criteria provided, single submitter. Criteria: GeneDx Variant Classification Process June 2021. Collection method: clinical testing. Allele origin: germline. Affected: yes.
Comment: Not observed in large population cohorts (Lek et al., 2016); In silico analysis, which includes protein predictors and evolutionary conservation, supports a deleterious effect; Has not been previously published as pathogenic or benign to our knowledge

NM_015352.2(POFUT1):c.425T>C (p.Met142Thr)

Gene: POFUT1 (protein O-fucosyltransferase 1; plus strand). Cytogenetic location: 20q11.21.
Variant type: single nucleotide variant.
Coding change: c.425T>C on transcript NM_015352.2 (MANE Select); coding-DNA position 425, T replaced by C.
Protein change: p.Met142Thr; replaces methionine 142 with threonine.
Molecular consequence: missense variant.
Genome position (GRCh38, 1-based): chr20:32,215,447, T>C. VCF-style: chr20-32215447-T-C. GRCh37 (hg19) VCF-style: chr20-30803250-T-C.
Other names: c.425T>C, p.Met142Thr (NM_172236.2); short protein forms M142T.
Identifiers: ClinVar variation 1309510 (VCV001309510.2), dbSNP rs2122571268, ClinGen allele CA408549730.
Genomic context (GRCh38, chr20:32,215,447, plus strand): 5'-GGGTGGCATACTGCTTTGAGGTGGCAGCCCAGCGAAGCCCAGATAAGAAGACGTGCCCCA[T>C]GAAGGTGGGTCCTGTGGGTTCGGGGGCCCTTTCTTCCTGTTCCATGTCCTCTAGGCCCCC-3'
Protein context (NP_056167.1, residues 132-152): QRSPDKKTCP[Met142Thr]KEGNPFGPFW